The following is an entry in ClinVar:

ClinVar aggregate classification (germline): Uncertain significance (1 of 4 stars; one submission).

Conditions:
Primary ciliary dyskinesia. Also called: Ciliary dyskinesia. Identifiers: Orphanet 244, MedGen C0008780, MONDO:0016575, HP:0012265.

Submission:

Ambry Genetics
Classification: Uncertain significance for Primary ciliary dyskinesia. Last evaluated: 2025-04-20. Review status: criteria provided, single submitter. Criteria: Ambry Variant Classification Scheme 2023. Collection method: clinical testing. Allele origin: germline.
Comment: The p.K3340N variant (also known as c.10020G>C), located in coding exon 61 of the DNAH11 gene, results from a G to C substitution at nucleotide position 10020. The lysine at codon 3340 is replaced by asparagine, an amino acid with similar properties. This amino acid position is conserved. In addition, this alteration is predicted to be tolerated by in silico analysis. Based on the available evidence, the clinical significance of this variant remains unclear.

NM_001277115.2(DNAH11):c.10020G>C (p.Lys3340Asn)

Gene: DNAH11 (dynein axonemal heavy chain 11; plus strand). Cytogenetic location: 7p15.3.
Variant type: single nucleotide variant.
Coding change: c.10020G>C on transcript NM_001277115.2 (MANE Select); coding-DNA position 10020, G replaced by C.
Protein change: p.Lys3340Asn; replaces lysine 3340 with asparagine.
Molecular consequence: missense variant.
Genome position (GRCh38, 1-based): chr7:21,789,336, G>C. VCF-style: chr7-21789336-G-C. GRCh37 (hg19) VCF-style: chr7-21828954-G-C.
Other names: short protein forms K3340N.
Identifiers: ClinVar variation 4012678 (VCV004012678.1).
Genomic context (GRCh38, chr7:21,789,336, plus strand): 5'-AGCCCAAGCAAACTTAGAACTGGCTGCAGCTACTGAAAAACTAGAGGCTATCAGGAAAAA[G>C]CTTGTGGTGAGTGCAAACTATGACATTGAAAAGGTTCCCAAGAGGTGGTCGCTGCCTCCA-3'
Protein context (NP_001264044.1, residues 3330-3350): ATEKLEAIRK[Lys3340Asn]LVDLDRNLSR